The following is an entry in ClinVar:

NM_002474.3(MYH11):c.2446A>C (p.Met816Leu)

Gene: MYH11 (myosin heavy chain 11; minus strand). Cytogenetic location: 16p13.11.
Variant type: single nucleotide variant.
Coding change: c.2446A>C on transcript NM_002474.3 (MANE Select); coding-DNA position 2446, A replaced by C.
Protein change: p.Met816Leu; replaces methionine 816 with leucine.
Molecular consequence: missense variant.
Genome position (GRCh38, 1-based): chr16:15,745,203, T>G on the plus strand (A>C on the coding strand, the complement: MYH11 is on the minus strand). VCF-style: chr16-15745203-T-G. GRCh37 (hg19) VCF-style: chr16-15839060-T-G.
Other names: c.2467A>C, p.Met823Leu (NM_001040113.2, NM_001040114.2); c.2446A>C, p.Met816Leu (NM_022844.3); short protein forms M816L, M823L.
Identifiers: ClinVar variation 632912 (VCV000632912.4), dbSNP rs1243566183, ClinGen allele CA394866879.

ClinVar aggregate classification (germline): Uncertain significance. Review status: criteria provided, multiple submitters, no conflicts (2 of 4 stars). 3 submissions from 3 submitters: Uncertain significance (3). Last evaluated 2024-06-18.

Conditions:
Familial thoracic aortic aneurysm and aortic dissection (TAAD). Also called: Thoracic aortic aneurysms and dissections. Identifiers: Orphanet 91387, MedGen C4707243, MONDO:0019625.
Aortic aneurysm, familial thoracic 4 (AAT4). Also called: AORTIC ANEURYSM/AORTIC DISSECTION AND PATENT DUCTUS ARTERIOSUS. Identifiers: MedGen C1851504, MONDO:0007568, OMIM 132900.

Allele frequency attached by ClinVar (database versions not stated): gnomAD exomes below 0.00001; TOPMed below 0.00001; gnomAD 0.00001.
gnomAD v4.1: 17 of 1,613,440 alleles (0.0011%); highest among the groups gnomAD compares: Admixed American, 0.0017%; no homozygotes.

Submissions (3):

Color Diagnostics, LLC DBA Color Health
Classification: Uncertain significance for Familial thoracic aortic aneurysm and aortic dissection. Last evaluated: 2024-06-18. Review status: criteria provided, single submitter. Criteria: ACMG Guidelines, 2015. Collection method: clinical testing. Allele origin: germline.
Comment: This missense variant replaces methionine with leucine at codon 823 of the MYH11 protein. Computational prediction suggests that this variant may not impact protein structure and function. To our knowledge, functional studies have not been reported for this variant. This variant has not been reported in individuals affected with MYH11-related disorders in the literature. This variant has been identified in 1/251400 chromosomes in the general population by the Genome Aggregation Database (gnomAD). The available evidence is insufficient to determine the role of this variant in disease conclusively. Therefore, this variant is classified as a Variant of Uncertain Significance.

Labcorp Genetics (formerly Invitae), Labcorp
Classification: Uncertain significance for Aortic aneurysm, familial thoracic 4. Last evaluated: 2022-05-10. Review status: criteria provided, single submitter. Criteria: Invitae Variant Classification Sherloc (09022015). Collection method: clinical testing. Allele origin: germline.
Comment: This sequence change replaces methionine, which is neutral and non-polar, with leucine, which is neutral and non-polar, at codon 823 of the MYH11 protein (p.Met823Leu). This variant is present in population databases (no rsID available, gnomAD 0.0009%). This variant has not been reported in the literature in individuals affected with MYH11-related conditions. ClinVar contains an entry for this variant (Variation ID: 632912). Algorithms developed to predict the effect of missense changes on protein structure and function are either unavailable or do not agree on the potential impact of this missense change (SIFT: "Deleterious"; PolyPhen-2: "Benign"; Align-GVGD: "Class C0"). In summary, the available evidence is currently insufficient to determine the role of this variant in disease. Therefore, it has been classified as a Variant of Uncertain Significance.

Women's Health and Genetics/Laboratory Corporation of America, LabCorp
Classification: Uncertain significance. Last evaluated: 2018-04-30. Review status: criteria provided, single submitter. Criteria: LabCorp Variant Classification Summary - May 2015. Collection method: clinical testing. Allele origin: germline.
Comment: Variant summary: MYH11 c.2467A>C (p.Met823Leu) results in a conservative amino acid change in the encoded protein sequence. Three of four in-silico tools predict a benign effect of the variant on protein function. The variant allele was found at a frequency of 4.1e-06 in 246192 control chromosomes. The available data on variant occurrences in the general population are insufficient to allow any conclusion about variant significance. To our knowledge, no occurrence of c.2467A>C in individuals affected with Aortopathy and no experimental evidence demonstrating its impact on protein function have been reported. No clinical diagnostic laboratories have submitted clinical-significance assessments for this variant to ClinVar after 2014. Based on the evidence outlined above, the variant was classified as uncertain significance.